The following is an entry in ClinVar:

NM_002055.5(GFAP):c.1246C>A (p.Arg416=)

Gene: GFAP (glial fibrillary acidic protein; minus strand). Cytogenetic location: 17q21.31.
Variant type: single nucleotide variant.
Coding change: c.1246C>A on transcript NM_002055.5 (MANE Select); coding-DNA position 1246, C replaced by A.
Protein change: p.Arg416=; no amino-acid change (arginine 416 retained).
Molecular consequence: synonymous variant.
Genome position (GRCh38, 1-based): chr17:44,908,075, G>T on the plus strand (C>A on the coding strand, the complement: GFAP is on the minus strand). VCF-style: chr17-44908075-G-T. GRCh37 (hg19) VCF-style: chr17-42985443-G-T.
Other names: c.1246C>A (NM_002055.4); c.1366C>A, p.Arg456= (NM_001363846.2).
Identifiers: ClinVar variation 1568605 (VCV001568605.10), dbSNP rs121909717, ClinGen allele CA8608618.

ClinVar aggregate classification (germline): Benign. Review status: criteria provided, single submitter (1 of 4 stars). 2 submissions from 2 submitters: Benign (1). 1 of the submissions does not count toward it. Last evaluated 2023-10-15.

Conditions:
GFAP-related disorder. Also called: GFAP-related disorders; GFAP-related condition.

Allele frequency attached by ClinVar (database versions not stated): gnomAD exomes 0.00005 and 0.00012; ExAC 0.00014; 1000 Genomes Project 30x 0.00016; 1000 Genomes Project 0.00020.
gnomAD v4.1: 134 of 1,605,184 alleles (0.0083%); highest among the groups gnomAD compares: African/African-American, 0.16%; no homozygotes.

Submissions (2):

Labcorp Genetics (formerly Invitae), Labcorp
Classification: Benign. Last evaluated: 2023-10-15. Review status: criteria provided, single submitter. Criteria: Invitae Variant Classification Sherloc (09022015). Collection method: clinical testing. Allele origin: germline.

PreventionGenetics, part of Exact Sciences
Classification: Likely benign for GFAP-related condition. Last evaluated: 2019-08-20. Review status: no assertion criteria provided. Collection method: clinical testing. Allele origin: germline. Not counted in ClinVar's aggregate classification.
Comment: This variant is classified as likely benign based on ACMG/AMP sequence variant interpretation guidelines (Richards et al. 2015 PMID: 25741868, with internal and published modifications).